The following is an entry in ClinVar:

ClinVar aggregate classification (germline): Uncertain significance (1 of 4 stars; one submission).

Submission:

Labcorp Genetics (formerly Invitae), Labcorp
Classification: Uncertain significance. Last evaluated: 2022-06-28. Review status: criteria provided, single submitter. Criteria: Invitae Variant Classification Sherloc (09022015). Collection method: clinical testing. Allele origin: germline.
Comment: In summary, the available evidence is currently insufficient to determine the role of this variant in disease. Therefore, it has been classified as a Variant of Uncertain Significance. Advanced modeling of protein sequence and biophysical properties (such as structural, functional, and spatial information, amino acid conservation, physicochemical variation, residue mobility, and thermodynamic stability) performed at Invitae indicates that this missense variant is not expected to disrupt CPLANE1 protein function. This variant has not been reported in the literature in individuals affected with CPLANE1-related conditions. This variant is not present in population databases (gnomAD no frequency). This sequence change replaces asparagine, which is neutral and polar, with serine, which is neutral and polar, at codon 3019 of the CPLANE1 protein (p.Asn3019Ser).

NM_001384732.1(CPLANE1):c.9218A>G (p.Asn3073Ser)

Gene: CPLANE1 (ciliogenesis and planar polarity effector complex subunit 1; minus strand). Cytogenetic location: 5p13.2.
Variant type: single nucleotide variant.
Coding change: c.9218A>G on transcript NM_001384732.1 (MANE Select); coding-DNA position 9218, A replaced by G.
Protein change: p.Asn3073Ser; replaces asparagine 3073 with serine.
Molecular consequence: missense variant.
Genome position (GRCh38, 1-based): chr5:37,120,308, T>C on the plus strand (A>G on the coding strand, the complement: CPLANE1 is on the minus strand). VCF-style: chr5-37120308-T-C. GRCh37 (hg19) VCF-style: chr5-37120410-T-C.
Other names: c.9056A>G, p.Asn3019Ser (NM_023073.4); short protein forms N3019S, N3073S.
Identifiers: ClinVar variation 1955797 (VCV001955797.5), dbSNP rs2546611435, ClinGen allele CA359494098.